The following is an entry in ClinVar:

ClinVar aggregate classification (germline): Uncertain significance. Review status: criteria provided, multiple submitters, no conflicts (2 of 4 stars). 2 submissions from 2 submitters: Uncertain significance (2). Last evaluated 2025-12-12.

Conditions:
SAMD9-related disorder. Also called: SAMD9-related condition.

Submissions (2):

PreventionGenetics, part of Exact Sciences
Classification: Uncertain significance for SAMD9-related condition. Last evaluated: 2025-12-12. Review status: criteria provided, single submitter. Criteria: ACMG Guidelines, 2015. Collection method: clinical testing. Allele origin: germline.
Comment: The SAMD9 c.3093G>A variant is predicted to result in the amino acid substitution p.Met1031Ile. To our knowledge, this variant has not been reported in the literature or in a large population database (gnomAD), indicating this variant is rare. At this time, the clinical significance of this variant is uncertain due to the absence of conclusive functional and genetic evidence.

Labcorp Genetics (formerly Invitae), Labcorp
Classification: Uncertain significance. Last evaluated: 2025-09-29. Review status: criteria provided, single submitter. Criteria: Invitae Variant Classification Sherloc (09022015). Collection method: clinical testing. Allele origin: germline.
Comment: This sequence change replaces methionine, which is neutral and non-polar, with isoleucine, which is neutral and non-polar, at codon 1031 of the SAMD9 protein (p.Met1031Ile). This variant is not present in population databases (gnomAD no frequency). This variant has not been reported in the literature in individuals affected with SAMD9-related conditions. Invitae Evidence Modeling of protein sequence and biophysical properties (such as structural, functional, and spatial information, amino acid conservation, physicochemical variation, residue mobility, and thermodynamic stability) indicates that this missense variant is not expected to disrupt SAMD9 protein function with a negative predictive value of 95%. In summary, the available evidence is currently insufficient to determine the role of this variant in disease. Therefore, it has been classified as a Variant of Uncertain Significance.

NM_017654.4(SAMD9):c.3093G>A (p.Met1031Ile)

Gene: SAMD9 (sterile alpha motif domain containing 9; minus strand). Cytogenetic location: 7q21.2.
Variant type: single nucleotide variant.
Coding change: c.3093G>A on transcript NM_017654.4 (MANE Select); coding-DNA position 3093, G replaced by A.
Protein change: p.Met1031Ile; replaces methionine 1031 with isoleucine.
Molecular consequence: missense variant.
Genome position (GRCh38, 1-based): chr7:93,103,005, C>T on the plus strand (G>A on the coding strand, the complement: SAMD9 is on the minus strand). VCF-style: chr7-93103005-C-T. GRCh37 (hg19) VCF-style: chr7-92732318-C-T.
Other names: c.3093G>A, p.Met1031Ile (NM_001193307.2); c.3093G>A (NM_017654.3); short protein forms M1031I.
Identifiers: ClinVar variation 4802479 (VCV004802479.2).